The following is an entry in ClinVar:

ClinVar aggregate classification (germline): Benign/Likely benign. Review status: criteria provided, multiple submitters, no conflicts (2 of 4 stars). 5 submissions from 5 submitters: Benign (4); Likely benign (1). Last evaluated 2026-02-02.

Conditions:
Diaphanospondylodysostosis. Also called: VERTEBRAL OSSIFICATION, DEFECT IN, WITH NEPHROGENIC RESTS. Identifiers: Orphanet 66637, MedGen C1842691, MONDO:0011946, OMIM 608022.

Allele frequency attached by ClinVar (database versions not stated): gnomAD 0.24091 and 0.24267; ESP Exome Variant Server 0.24727; 1000 Genomes Project 30x 0.18816; 1000 Genomes Project 0.18930; TOPMed 0.23497.
gnomAD v4.1: 433,450 of 1,613,844 alleles (27%); highest among the groups gnomAD compares: Middle Eastern, 35%; 60,620 homozygotes.

Submissions (5):

Labcorp Genetics (formerly Invitae), Labcorp
Classification: Benign. Last evaluated: 2026-02-02. Review status: criteria provided, single submitter. Criteria: Invitae Variant Classification Sherloc (09022015). Collection method: clinical testing. Allele origin: germline.

Blueprint Genetics
Classification: Likely benign. Last evaluated: 2024-11-27. Review status: criteria provided, single submitter. Criteria: ACMG Guidelines, 2015. Collection method: clinical testing. Allele origin: germline.

Genome-Nilou Lab
Classification: Benign for Diaphanospondylodysostosis. Last evaluated: 2021-07-14. Review status: criteria provided, single submitter. Criteria: ACMG Guidelines, 2015. Collection method: clinical testing. Allele origin: germline. Affected: no.

GeneDx
Classification: Benign. Last evaluated: 2021-05-04. Review status: criteria provided, single submitter. Criteria: GeneDx Variant Classification Process June 2021. Collection method: clinical testing. Allele origin: germline. Affected: yes.

Illumina Laboratory Services, Illumina
Classification: Benign for Diaphanospondylodysostosis. Last evaluated: 2018-01-13. Review status: criteria provided, single submitter. Criteria: ICSL Variant Classification Criteria 13 December 2019. Collection method: clinical testing. Allele origin: germline.
Comment: This variant was observed in the ICSL laboratory as part of a predisposition screen in an ostensibly healthy population. It had not been previously curated by ICSL or reported in the Human Gene Mutation Database (HGMD: prior to June 1st, 2018), and was therefore a candidate for classification through an automated scoring system. Utilizing variant allele frequency, disease prevalence and penetrance estimates, and inheritance mode, an automated score was calculated to assess if this variant is too frequent to cause the disease. Based on the score and internal cut-off values, a variant classified as benign is not then subjected to further curation. The score for this variant resulted in a classification of benign for this disease.

NM_001365308.1(BMPER):c.1461G>T (p.Pro487=)

Gene: BMPER (BMP binding endothelial regulator; plus strand). Cytogenetic location: 7p14.3.
Variant type: single nucleotide variant.
Coding change: c.1461G>T on transcript NM_001365308.1 (MANE Select); coding-DNA position 1461, G replaced by T.
Protein change: p.Pro487=; no amino-acid change (proline 487 retained).
Molecular consequence: synonymous variant.
Genome position (GRCh38, 1-based): chr7:34,085,808, G>T. VCF-style: chr7-34085808-G-T. GRCh37 (hg19) VCF-style: chr7-34125420-G-T.
Other names: c.1461G>T, p.Pro487= (NM_133468.5).
Identifiers: ClinVar variation 360112 (VCV000360112.19), dbSNP rs77064045, ClinGen allele CA4215418.